The following is an entry in ClinVar:

NM_013328.4(PYCR2):c.547A>G (p.Met183Val)

Gene: PYCR2 (pyrroline-5-carboxylate reductase 2; minus strand). Cytogenetic location: 1q42.12.
Variant type: single nucleotide variant.
Coding change: c.547A>G on transcript NM_013328.4 (MANE Select); coding-DNA position 547, A replaced by G.
Protein change: p.Met183Val; replaces methionine 183 with valine.
Molecular consequence: missense variant.
Genome position (GRCh38, 1-based): chr1:225,921,638, T>C on the plus strand (A>G on the coding strand, the complement: PYCR2 is on the minus strand). VCF-style: chr1-225921638-T-C. GRCh37 (hg19) VCF-style: chr1-226109338-T-C.
Other names: c.325A>G, p.Met109Val (NM_001271681.2); short protein forms M183V, M109V.
Identifiers: ClinVar variation 2980906 (VCV002980906.3), dbSNP rs370300338, ClinGen allele CA1420175.
Genomic context (GRCh38, chr1:225,921,638, plus strand): 5'-TTGCCAGGCGCCGTGGCAAACCCATCTTCACCCCACCATCAGCCAATGCGTCCAGAGCCA[T>C]GAATGCCTGTGGAGACACTCACTAAGCCCCAGGCCATAGGCACTGAAGGGCCTTTCCTTA-3'
Protein context (NP_037460.2, residues 173-193): LSGSGPAYAF[Met183Val]ALDALADGGV

ClinVar aggregate classification (germline): Uncertain significance (1 of 4 stars; one submission).

Allele frequency attached by ClinVar (database versions not stated): gnomAD 0.00002; gnomAD exomes 0.00002; TOPMed 0.00002; ExAC 0.00003; ESP Exome Variant Server 0.00008.

Submission:

Labcorp Genetics (formerly Invitae), Labcorp
Classification: Uncertain significance. Last evaluated: 2023-11-13. Review status: criteria provided, single submitter. Criteria: Invitae Variant Classification Sherloc (09022015). Collection method: clinical testing. Allele origin: germline.
Comment: This sequence change replaces methionine, which is neutral and non-polar, with valine, which is neutral and non-polar, at codon 183 of the PYCR2 protein (p.Met183Val). This variant is present in population databases (rs370300338, gnomAD 0.005%). This variant has not been reported in the literature in individuals affected with PYCR2-related conditions. Advanced modeling of protein sequence and biophysical properties (such as structural, functional, and spatial information, amino acid conservation, physicochemical variation, residue mobility, and thermodynamic stability) performed at Invitae indicates that this missense variant is not expected to disrupt PYCR2 protein function with a negative predictive value of 80%. In summary, the available evidence is currently insufficient to determine the role of this variant in disease. Therefore, it has been classified as a Variant of Uncertain Significance.